The following is an entry in ClinVar:

NM_000548.5(TSC2):c.2450A>C (p.Asp817Ala)

Gene: TSC2 (TSC complex subunit 2; plus strand). Cytogenetic location: 16p13.3.
Variant type: single nucleotide variant.
Coding change: c.2450A>C on transcript NM_000548.5 (MANE Select); coding-DNA position 2450, A replaced by C.
Protein change: p.Asp817Ala; replaces aspartic acid 817 with alanine.
Molecular consequence: missense variant. On other transcripts: non-coding transcript variant (5).
Genome position (GRCh38, 1-based): chr16:2,074,294, A>C. VCF-style: chr16-2074294-A-C. GRCh37 (hg19) VCF-style: chr16-2124295-A-C.
Other names: c.2450A>C, p.Asp817Ala (NM_001077183.3, NM_001114382.3, NM_021055.3 and 6 more transcripts); c.2339A>C, p.Asp780Ala (NM_001318827.2, NM_001406678.1, NM_001406670.1); c.2303A>C, p.Asp768Ala (NM_001318829.2, NM_001406675.1, NM_001406676.1 and 1 more transcripts); c.1850A>C, p.Asp617Ala (NM_001318831.2, NM_001406680.1, NM_001406682.1 and 6 more transcripts); c.2438A>C, p.Asp813Ala (NM_001406671.1, NM_001406673.1); c.2393A>C, p.Asp798Ala (NM_001406677.1); c.1988A>C, p.Asp663Ala (NM_001406681.1); c.1106A>C, p.Asp369Ala (NM_001406692.1, NM_001406693.1, NM_001406694.1 and 6 more transcripts); and 3 more; short protein forms D283A, D369A, D768A, D813A, D847A, D617A, D663A, D817A.
Identifiers: ClinVar variation 2844529 (VCV002844529.3), dbSNP rs2543820164, ClinGen allele CA394277455.

ClinVar aggregate classification (germline): Uncertain significance (1 of 4 stars; one submission).

Conditions:
Tuberous sclerosis 2 (TSC2). Identifiers: Orphanet 805, MedGen C1860707, MONDO:0013199, OMIM 613254.

Submission:

Labcorp Genetics (formerly Invitae), Labcorp
Classification: Uncertain significance for Tuberous sclerosis 2. Last evaluated: 2023-10-27. Review status: criteria provided, single submitter. Criteria: Invitae Variant Classification Sherloc (09022015). Collection method: clinical testing. Allele origin: germline.
Comment: This sequence change replaces aspartic acid, which is acidic and polar, with alanine, which is neutral and non-polar, at codon 817 of the TSC2 protein (p.Asp817Ala). This variant is not present in population databases (gnomAD no frequency). This variant has not been reported in the literature in individuals affected with TSC2-related conditions. Advanced modeling of protein sequence and biophysical properties (such as structural, functional, and spatial information, amino acid conservation, physicochemical variation, residue mobility, and thermodynamic stability) performed at Invitae indicates that this missense variant is not expected to disrupt TSC2 protein function with a negative predictive value of 95%. In summary, the available evidence is currently insufficient to determine the role of this variant in disease. Therefore, it has been classified as a Variant of Uncertain Significance.